The following is an entry in ClinVar:

ClinVar aggregate classification (germline): Uncertain significance (1 of 4 stars; one submission).

Conditions:
Charcot-Marie-Tooth disease recessive intermediate C. Also called: CHARCOT-MARIE-TOOTH NEUROPATHY, RECESSIVE INTERMEDIATE C. Identifiers: Orphanet 369867, MedGen C3809309, MONDO:0014154, OMIM 615376.
Neuronopathy, distal hereditary motor, autosomal recessive 4. Also called: Autosomal recessive lower motor neuron disease with childhood onset; NEUROPATHY, DISTAL HEREDITARY MOTOR, AUTOSOMAL RECESSIVE 4. Identifiers: Orphanet 206580, MedGen C1970211, MONDO:0012608, OMIM 611067.

Allele frequency attached by ClinVar (database versions not stated): gnomAD 0.00001; gnomAD exomes 0.00001.

Submission:

Labcorp Genetics (formerly Invitae), Labcorp
Classification: Uncertain significance for Neuronopathy, distal hereditary motor, autosomal recessive 4; Charcot-Marie-Tooth disease recessive intermediate C. Last evaluated: 2022-07-17. Review status: criteria provided, single submitter. Criteria: Invitae Variant Classification Sherloc (09022015). Collection method: clinical testing. Allele origin: germline.
Comment: This sequence change replaces proline, which is neutral and non-polar, with serine, which is neutral and polar, at codon 807 of the PLEKHG5 protein (p.Pro807Ser). This variant is present in population databases (no rsID available, gnomAD 0.002%). This variant has not been reported in the literature in individuals affected with PLEKHG5-related conditions. ClinVar contains an entry for this variant (Variation ID: 934240). Algorithms developed to predict the effect of missense changes on protein structure and function are either unavailable or do not agree on the potential impact of this missense change (SIFT: "Tolerated"; PolyPhen-2: "Possibly Damaging"; Align-GVGD: "Class C0"). In summary, the available evidence is currently insufficient to determine the role of this variant in disease. Therefore, it has been classified as a Variant of Uncertain Significance.

NM_020631.6(PLEKHG5):c.2419C>T (p.Pro807Ser)

Gene: PLEKHG5 (pleckstrin homology and RhoGEF domain containing G5; minus strand). Cytogenetic location: 1p36.31.
Variant type: single nucleotide variant.
Coding change: c.2419C>T on transcript NM_020631.6 (MANE Select); coding-DNA position 2419, C replaced by T.
Protein change: p.Pro807Ser; replaces proline 807 with serine.
Molecular consequence: missense variant.
Genome position (GRCh38, 1-based): chr1:6,468,417, G>A on the plus strand (C>T on the coding strand, the complement: PLEKHG5 is on the minus strand). VCF-style: chr1-6468417-G-A. GRCh37 (hg19) VCF-style: chr1-6528477-G-A.
Other names: c.2530C>T, p.Pro844Ser (NM_001042663.3, NM_001265592.2); c.2419C>T, p.Pro807Ser (NM_001042664.2, NM_001042665.2, NM_001265594.3 and 1 more transcripts); c.2626C>T, p.Pro876Ser (NM_001265593.2); short protein forms P876S, P807S, P844S.
Identifiers: ClinVar variation 934240 (VCV000934240.10), dbSNP rs1175956588, ClinGen allele CA338117067.
Genomic context (GRCh38, chr1:6,468,417, plus strand): 5'-AGGAGGTTGGGGAGAGGGTGCCGTAGGCAGAGTCCATGGAGCAGGAGCGGCCGTCCACCG[G>A]ACCCAGGGGCAGCAGCTCACTGGTGGGCGTGGCAGATGAGGCAGTGGTGCTGAGAGAGGT-3'
Protein context (NP_065682.2, residues 797-817): TPTSELLPLG[Pro807Ser]VDGRSCSMDS